The following is an entry in ClinVar:

ClinVar aggregate classification (germline): Uncertain significance (1 of 4 stars; one submission).

Conditions:
Leigh syndrome (NULS). Also called: Leigh's necrotizing encephalopathy; Leigh's disease; Leigh's syndrome; LEIGH SYNDROME, NUCLEAR; Leigh Syndrome (mtDNA deletion); Leigh Disease. Identifiers: Orphanet 506, MedGen C2931891, MONDO:0009723, OMIM 256000.

Submission:

Wong Mito Lab, Molecular and Human Genetics, Baylor College of Medicine
Classification: Uncertain significance for Leigh syndrome. Last evaluated: 2019-10-17. Review status: criteria provided, single submitter. Criteria: Modified ACMG Guidelines (Unpublished). Collection method: clinical testing. Allele origin: germline.
Comment: The NC_012920.1:m.15273C>A (YP_003024038.1:p.Thr176Lys) variant in MTCYB gene is interpretated to be a Uncertain Significance variant based on the modified ACMG guidelines (unpublished). This variant meets the following evidence codes: PP4

NC_012920.1(MT-CYB):m.15273C>A

Gene: MT-CYB (mitochondrially encoded cytochrome b; plus strand).
Variant type: single nucleotide variant.
Genome position: chrM-15273-C-A.
Identifiers: ClinVar variation 693859 (VCV000693859.1), dbSNP rs1603225189, ClinGen allele CA913173417.
Genomic context (GRCh38, chrMT:15,273, plus strand): 5'-TTGGGACAGACCTAGTTCAATGAATCTGAGGAGGCTACTCAGTAGACAGTCCCACCCTCA[C>A]ACGATTCTTTACCTTTCACTTCATCTTGCCCTTCATTATTGCAGCCCTAGCAACACTCCA-3'